The following is an entry in ClinVar:

ClinVar aggregate classification (germline): Uncertain significance (1 of 4 stars; one submission).

Conditions:
Renal cell carcinoma. Identifiers: Orphanet 217071, MedGen C0007134, MeSH D002292, MONDO:0005086, HP:0005584.

Submission:

Labcorp Genetics (formerly Invitae), Labcorp
Classification: Uncertain significance for Renal cell carcinoma. Last evaluated: 2024-02-11. Review status: criteria provided, single submitter. Criteria: Invitae Variant Classification Sherloc (09022015). Collection method: clinical testing. Allele origin: germline.
Comment: This sequence change replaces lysine, which is basic and polar, with asparagine, which is neutral and polar, at codon 1258 of the MET protein (p.Lys1258Asn). This variant is not present in population databases (gnomAD no frequency). This variant has not been reported in the literature in individuals affected with MET-related conditions. Advanced modeling of protein sequence and biophysical properties (such as structural, functional, and spatial information, amino acid conservation, physicochemical variation, residue mobility, and thermodynamic stability) has been performed at Invitae for this missense variant, however the output from this modeling did not meet the statistical confidence thresholds required to predict the impact of this variant on MET protein function. In summary, the available evidence is currently insufficient to determine the role of this variant in disease. Therefore, it has been classified as a Variant of Uncertain Significance.

NM_000245.4(MET):c.3720A>T (p.Lys1240Asn)

Gene: MET (MET proto-oncogene, receptor tyrosine kinase; plus strand). Cytogenetic location: 7q31.2.
Variant type: single nucleotide variant.
Coding change: c.3720A>T on transcript NM_000245.4 (MANE Select); coding-DNA position 3720, A replaced by T.
Protein change: p.Lys1240Asn; replaces lysine 1240 with asparagine.
Molecular consequence: missense variant.
Genome position (GRCh38, 1-based): chr7:116,783,391, A>T. VCF-style: chr7-116783391-A-T. GRCh37 (hg19) VCF-style: chr7-116423445-A-T.
Other names: c.3774A>T, p.Lys1258Asn (NM_001127500.3); c.2430A>T, p.Lys810Asn (NM_001324402.2); short protein forms K1258N, K810N, K1240N.
Identifiers: ClinVar variation 3640128 (VCV003640128.2).